The following is an entry in ClinVar:

ClinVar aggregate classification (germline): Uncertain significance (1 of 4 stars; one submission).

Submission:

Labcorp Genetics (formerly Invitae), Labcorp
Classification: Uncertain significance. Last evaluated: 2023-06-09. Review status: criteria provided, single submitter. Criteria: Invitae Variant Classification Sherloc (09022015). Collection method: clinical testing. Allele origin: germline.
Comment: Advanced modeling of protein sequence and biophysical properties (such as structural, functional, and spatial information, amino acid conservation, physicochemical variation, residue mobility, and thermodynamic stability) performed at Invitae indicates that this missense variant is not expected to disrupt COL4A1 protein function. In summary, the available evidence is currently insufficient to determine the role of this variant in disease. Therefore, it has been classified as a Variant of Uncertain Significance. This variant has not been reported in the literature in individuals affected with COL4A1-related conditions. This variant is not present in population databases (gnomAD no frequency). This sequence change replaces tyrosine, which is neutral and polar, with aspartic acid, which is acidic and polar, at codon 427 of the COL4A1 protein (p.Tyr427Asp).

NM_001845.6(COL4A1):c.1279T>G (p.Tyr427Asp)

Gene: COL4A1 (collagen type IV alpha 1 chain; minus strand). Cytogenetic location: 13q34.
Variant type: single nucleotide variant.
Coding change: c.1279T>G on transcript NM_001845.6 (MANE Select); coding-DNA position 1279, T replaced by G.
Protein change: p.Tyr427Asp; replaces tyrosine 427 with aspartic acid.
Molecular consequence: missense variant.
Genome position (GRCh38, 1-based): chr13:110,198,473, A>C on the plus strand (T>G on the coding strand, the complement: COL4A1 is on the minus strand). VCF-style: chr13-110198473-A-C. GRCh37 (hg19) VCF-style: chr13-110850820-A-C.
Other names: c.1279T>G, p.Tyr427Asp (NM_001303110.2); short protein forms Y427D.
Identifiers: ClinVar variation 2705582 (VCV002705582.3), dbSNP rs2501557260, ClinGen allele CA388723893.
Genomic context (GRCh38, chr13:110,198,473, plus strand): 5'-GGCACCCTGGTGTCTGCTTGCACCCCACATTAAACCATTTCTGAGGGAACTCACTTGTGT[A>C]GCCAGGCTGCCCAGGGGGCCCAGGGGAACCAGGAGGACCCGGGAGCCCATCTCTTCCACT-3'
Protein context (NP_001836.3, residues 417-437): GSPGPPGQPG[Tyr427Asp]TNGIVECQPG